The following is an entry in ClinVar:

NM_004370.6(COL12A1):c.2378T>A (p.Ile793Asn)

Gene: COL12A1 (collagen type XII alpha 1 chain; minus strand). Cytogenetic location: 6q13.
Variant type: single nucleotide variant.
Coding change: c.2378T>A on transcript NM_004370.6 (MANE Select); coding-DNA position 2378, T replaced by A.
Protein change: p.Ile793Asn; replaces isoleucine 793 with asparagine.
Molecular consequence: missense variant. On other transcripts: intron variant (1).
Genome position (GRCh38, 1-based): chr6:75,177,722, A>T on the plus strand (T>A on the coding strand, the complement: COL12A1 is on the minus strand). VCF-style: chr6-75177722-A-T. GRCh37 (hg19) VCF-style: chr6-75887438-A-T.
Other names: p.Ile793Asn; c.73+24998T>A (NM_080645.3); short protein forms I793N.
Identifiers: ClinVar variation 1479738 (VCV001479738.9), dbSNP rs759182254, ClinGen allele CA3893996.

ClinVar aggregate classification (germline): Uncertain significance. Review status: criteria provided, multiple submitters, no conflicts (2 of 4 stars). 4 submissions from 4 submitters: Uncertain significance (4). Last evaluated 2025-11-24.

Conditions:
Ullrich congenital muscular dystrophy 2 (UCMD2). Identifiers: Orphanet 75840, MedGen C4225314, MONDO:0014654, OMIM 616470.
Bethlem myopathy 2 (BTHLM2). Identifiers: Orphanet 536516, Orphanet 610, MedGen C4225313, MONDO:0034022, OMIM 616471.

Allele frequency attached by ClinVar (database versions not stated): gnomAD exomes 0.00001; TOPMed below 0.00001; gnomAD 0.00002; ExAC 0.00002.
gnomAD v4.1: 23 of 1,613,984 alleles (0.0014%); highest among the groups gnomAD compares: Non-Finnish European, 0.0019%; no homozygotes.

Submissions (4):

Labcorp Genetics (formerly Invitae), Labcorp
Classification: Uncertain significance for Bethlem myopathy 2; Ullrich congenital muscular dystrophy 2. Last evaluated: 2025-11-24. Review status: criteria provided, single submitter. Criteria: Invitae Variant Classification Sherloc (09022015). Collection method: clinical testing. Allele origin: germline.
Comment: This sequence change replaces isoleucine, which is neutral and non-polar, with asparagine, which is neutral and polar, at codon 793 of the COL12A1 protein (p.Ile793Asn). This variant is present in population databases (rs759182254, gnomAD 0.003%). This missense change has been observed in individual(s) with a suspected connective tissue disorder (PMID: 35903967). ClinVar contains an entry for this variant (Variation ID: 1479738). Invitae Evidence Modeling of protein sequence and biophysical properties (such as structural, functional, and spatial information, amino acid conservation, physicochemical variation, residue mobility, and thermodynamic stability) indicates that this missense variant is not expected to disrupt COL12A1 protein function with a negative predictive value of 80%. In summary, the available evidence is currently insufficient to determine the role of this variant in disease. Therefore, it has been classified as a Variant of Uncertain Significance.

Mayo Clinic Laboratories, Mayo Clinic
Classification: Uncertain significance. Last evaluated: 2025-10-06. Review status: criteria provided, single submitter. Criteria: ACMG Guidelines, 2015. Collection method: clinical testing. Allele origin: germline. Observed: 1 variant allele.
Comment: BP4, PM2_supporting

Women's Health and Genetics/Laboratory Corporation of America, LabCorp
Classification: Uncertain significance. Last evaluated: 2025-07-29. Review status: criteria provided, single submitter. Criteria: LabCorp Variant Classification Summary - May 2015. Collection method: clinical testing. Allele origin: germline.
Comment: Variant summary: COL12A1 c.2378T>A (p.Ile793Asn) results in a non-conservative amino acid change in the encoded protein sequence. Algorithms developed to predict the effect of missense changes on protein structure and function are either unavailable or do not agree on the potential impact of this missense change. The variant allele was found at a frequency of 1.2e-05 in 249314 control chromosomes. The available data on variant occurrences in the general population are insufficient to allow any conclusion about variant significance. c.2378T>A has been observed in an individual affected with connective tissue disorder (Steinle_2022). These report(s) do not provide unequivocal conclusions about association of the variant with Ullrich congenital muscular dystrophy 2. To our knowledge, no experimental evidence demonstrating an impact on protein function has been reported. The following publication have been ascertained in the context of this evaluation (PMID: 35903967). ClinVar contains an entry for this variant (Variation ID: 1479738). Based on the evidence outlined above, the variant was classified as uncertain significance.

Revvity Omics, Revvity
Classification: Uncertain significance. Last evaluated: 2024-12-13. Review status: criteria provided, single submitter. Criteria: ACMG Guidelines, 2015. Collection method: clinical testing. Allele origin: germline.

Literature cited by the submitters: PubMed 35903967 (cited by 3 submitters); PubMed 35918752 (cited by Mayo Clinic Laboratories, Mayo Clinic).